The following is an entry in ClinVar:

ClinVar aggregate classification (germline): Uncertain significance. Review status: criteria provided, multiple submitters, no conflicts (2 of 4 stars). 2 submissions from 2 submitters: Uncertain significance (2). Last evaluated 2026-04-02.

Conditions:
Dilated cardiomyopathy 1CC (CMD1CC). Identifiers: Orphanet 154, MedGen C2751084, MONDO:0013147, OMIM 613122.

Allele frequency attached by ClinVar (database versions not stated): TOPMed 0.00003; gnomAD exomes below 0.00001; gnomAD 0.00002.
gnomAD v4.1: 7 of 1,604,986 alleles (0.00044%); highest among the groups gnomAD compares: African/African-American, 0.0054%; no homozygotes.

Submissions (2):

Clinical Genomics Laboratory, Washington University in St. Louis
Classification: Uncertain significance for Dilated cardiomyopathy 1CC. Last evaluated: 2026-04-02. Review status: criteria provided, single submitter. Criteria: ACMG Guidelines, 2015. Collection method: clinical testing. Allele origin: germline.
Comment: A NEXN c.-10T>C variant was identified in a heterozygous state. This variant, to our knowledge, has not been reported in the medical literature but has been reported in the ClinVar database as a germline variant of uncertain significance by one submitter (Variation ID: 179916). It is only observed on 2/278,894 alleles in the general population (gnomAD v2.1.1), indicating it is not a common variant. Due to limited information and based on ACMG/AMP guidelines for variant interpretation (Richards S et al., PMID: 25741868), the clinical significance of this variant is uncertain at this time.

Laboratory for Molecular Medicine, Mass General Brigham Personalized Medicine
Classification: Uncertain significance. Last evaluated: 2014-07-24. Review status: criteria provided, single submitter. Criteria: LMM Criteria. Collection method: clinical testing. Allele origin: germline. Observed: 1 variant allele.

NM_144573.4(NEXN):c.-10T>C

Gene: NEXN (nexilin F-actin binding protein; plus strand). Cytogenetic location: 1p31.1.
Variant type: single nucleotide variant.
Coding change: c.-10T>C on transcript NM_144573.4 (MANE Select); 10 bases upstream of the start codon, T replaced by C.
Molecular consequence: 5 prime UTR variant.
Genome position (GRCh38, 1-based): chr1:77,916,097, T>C. VCF-style: chr1-77916097-T-C. GRCh37 (hg19) VCF-style: chr1-78381782-T-C.
Other names: c.-10T>C (NM_001172309.2).
Identifiers: ClinVar variation 179916 (VCV000179916.6), dbSNP rs727505219, ClinGen allele CA185424.
Genomic context (GRCh38, chr1:77,916,097, plus strand): 5'-AATATAAATTTTTTTCAGGTGCAAATATATACAGAGCTTCATAATCAGCCCAAGACCACA[T>C]AGAGCAAACATGAATGATATTTCCCAAAAGGCTGAGGTAAGTCTCAAAAGTAAAAATAAA-3'